The following is an entry in ClinVar:

NM_001044385.3(TMEM237):c.*3372C>T

Gene: TMEM237 (transmembrane protein 237; minus strand). Cytogenetic location: 2q33.1.
Variant type: single nucleotide variant.
Coding change: c.*3372C>T on transcript NM_001044385.3 (MANE Select); 3372 bases downstream of the stop codon, C replaced by T.
Molecular consequence: 3 prime UTR variant.
Genome position (GRCh38, 1-based): chr2:201,620,883, G>A on the plus strand (C>T on the coding strand, the complement: TMEM237 is on the minus strand). VCF-style: chr2-201620883-G-A. GRCh37 (hg19) VCF-style: chr2-202485606-G-A.
Other names: c.*3372C>T (NM_152388.4).
Identifiers: ClinVar variation 333534 (VCV000333534.5), dbSNP rs192214909, ClinGen allele CA10613498.
Genomic context (GRCh38, chr2:201,620,883, plus strand): 5'-TAACACAATGACCAGAACTTGATTTTGACAACTTTCACATCCTATTAGTGGGCTCACACT[G>A]TTAGTTGCTAATCTCAAAAGATAGAGTTCTTTAGGGGCAGGAACCTGCACCTCACCTTGT-3'

ClinVar aggregate classification (germline): Likely benign (1 of 4 stars; one submission).

Conditions:
Joubert syndrome 14 (JBTS14). Identifiers: MedGen C3280766, MONDO:0013745, OMIM 614424.

Allele frequency attached by ClinVar (database versions not stated): gnomAD 0.00399 and 0.00418; TOPMed 0.00446; 1000 Genomes Project 0.00479; 1000 Genomes Project 30x 0.00562.

Submission:

Illumina Laboratory Services, Illumina
Classification: Likely benign for Joubert syndrome 14. Last evaluated: 2018-01-13. Review status: criteria provided, single submitter. Criteria: ICSL Variant Classification Criteria 13 December 2019. Collection method: clinical testing. Allele origin: germline.
Comment: This variant was observed in the ICSL laboratory as part of a predisposition screen in an ostensibly healthy population. It had not been previously curated by ICSL or reported in the Human Gene Mutation Database (HGMD: prior to June 1st, 2018), and was therefore a candidate for classification through an automated scoring system. Utilizing variant allele frequency, disease prevalence and penetrance estimates, and inheritance mode, an automated score was calculated to assess if this variant is too frequent to cause the disease. Based on the score and internal cut-off values, a variant classified as likely benign is not then subjected to further curation. The score for this variant resulted in a classification of likely benign for this disease.